The following is an entry in ClinVar:

ClinVar aggregate classification (germline): Likely pathogenic (1 of 4 stars; one submission).

Submission:

GeneDx
Classification: Likely pathogenic. Last evaluated: 2018-10-01. Review status: criteria provided, single submitter. Criteria: GeneDx Variant Classification (06012015). Collection method: clinical testing. Allele origin: germline. Affected: yes.
Comment: The c.2185delC variant in the PDZD7 gene has not been reported previously as a pathogenic variant nor as a benign variant, to our knowledge. The c.2185delC variant causes a frameshift starting with codon Arginine 729, changes this amino acid to a Glutamic Acid residue, and creates a premature Stop codon at position 24 of the new reading frame, denoted p.Arg729GlufsX24. This variant is predicted to cause loss of normal protein function either through protein truncation or nonsense-mediated mRNA decay. The c.2185delC variant is not observed in large population cohorts (Lek et al., 2016). We interpret c.2185delC as a likely pathogenic variant.

NM_001195263.2(PDZD7):c.2185del (p.Arg729fs)

Gene: PDZD7 (PDZ domain containing 7; minus strand). Cytogenetic location: 10q24.31.
Variant type: Deletion.
Coding change: c.2185del on transcript NM_001195263.2 (MANE Select); coding-DNA position 2185, one base deleted (C; older notation c.2185delC).
Protein change: p.Arg729fs; shifts the reading frame from arginine 729.
Molecular consequence: frameshift variant.
Genome position (GRCh38, 1-based): chr10:101,010,704, G deleted on the plus strand (C on the coding strand, the reverse complement: PDZD7 is on the minus strand); the first of 2 consecutive G bases (chr10:101,010,704-101,010,705); deleting either gives the same sequence. VCF-style (leftmost placement, unchanged base first): chr10-101010703-CG-C. GRCh37 (hg19) VCF-style: chr10-102770460-CG-C.
Other names: short protein forms R729fs.
Identifiers: ClinVar variation 817841 (VCV000817841.1), dbSNP rs1590045340, ClinGen allele CA915947588.